The following is an entry in ClinVar:

NM_000455.5(STK11):c.290+6T>G

Gene: STK11 (serine/threonine kinase 11; plus strand). Cytogenetic location: 19p13.3.
Variant type: single nucleotide variant.
Coding change: c.290+6T>G on transcript NM_000455.5 (MANE Select); 6 bases into the intron after coding-DNA position 290, T replaced by G.
Molecular consequence: intron variant.
Genome position (GRCh38, 1-based): chr19:1,207,209, T>G. VCF-style: chr19-1207209-T-G. GRCh37 (hg19) VCF-style: chr19-1207208-T-G.
Other names: c.290+6T>G (NM_001407255.1).
Identifiers: ClinVar variation 3653561 (VCV003653561.2).

ClinVar aggregate classification (germline): Uncertain significance (1 of 4 stars; one submission).

Conditions:
Peutz-Jeghers syndrome (PJS). Also called: POLYPOSIS, HAMARTOMATOUS INTESTINAL; POLYPS-AND-SPOTS SYNDROME; Peutz-Jeghers polyposis; Periorificial lentiginosis syndrome. Identifiers: Orphanet 2869, MedGen C0031269, MeSH D010580, MONDO:0008280, OMIM 175200.

Submission:

Labcorp Genetics (formerly Invitae), Labcorp
Classification: Uncertain significance for Peutz-Jeghers syndrome. Last evaluated: 2024-05-16. Review status: criteria provided, single submitter. Criteria: Invitae Variant Classification Sherloc (09022015). Collection method: clinical testing. Allele origin: germline.
Comment: This sequence change falls in intron 1 of the STK11 gene. It does not directly change the encoded amino acid sequence of the STK11 protein. It affects a nucleotide within the consensus splice site. This variant is not present in population databases (gnomAD no frequency). This variant has not been reported in the literature in individuals affected with STK11-related conditions. Variants that disrupt the consensus splice site are a relatively common cause of aberrant splicing (PMID: 17576681, 9536098). Algorithms developed to predict the effect of sequence changes on RNA splicing suggest that this variant is not likely to affect RNA splicing. In summary, the available evidence is currently insufficient to determine the role of this variant in disease. Therefore, it has been classified as a Variant of Uncertain Significance.

Literature cited by the submitters: PubMed 17576681; PubMed 9536098.